The following is an entry in ClinVar:

NM_004082.5(DCTN1):c.3610-16C>T

Gene: DCTN1 (dynactin subunit 1; minus strand). Cytogenetic location: 2p13.1.
Variant type: single nucleotide variant.
Coding change: c.3610-16C>T on transcript NM_004082.5 (MANE Select); 16 bases into the intron before coding-DNA position 3610, C replaced by T.
Molecular consequence: intron variant.
Genome position (GRCh38, 1-based): chr2:74,362,157, G>A on the plus strand (C>T on the coding strand, the complement: DCTN1 is on the minus strand). VCF-style: chr2-74362157-G-A. GRCh37 (hg19) VCF-style: chr2-74589284-G-A.
Other names: c.3484-16C>T (NM_001190836.2); c.3541-16C>T (NM_001378992.1); c.3559-16C>T (NM_001378991.1); c.3535-16C>T (NM_001135040.3); c.3589-16C>T (NM_001190837.2); c.3193-16C>T (NM_001135041.3); c.3208-16C>T (NM_023019.4).
Identifiers: ClinVar variation 1984898 (VCV001984898.5), dbSNP rs746272326, ClinGen allele CA1721414.

ClinVar aggregate classification (germline): Benign/Likely benign. Review status: criteria provided, multiple submitters, no conflicts (2 of 4 stars). 2 submissions from 2 submitters: Benign (1); Likely benign (1). Last evaluated 2025-12-23.

Conditions:
Neuronopathy, distal hereditary motor, type 7B. Also called: HMN VIIB; LOWER MOTOR NEURON DISEASE, DYNACTIN TYPE; Distal Hereditary Motor Neuronopathy Type 7B (dHMN7B); NEURONOPATHY, DISTAL HEREDITARY MOTOR, AUTOSOMAL DOMINANT 14; NEURONOPATHY, DISTAL HEREDITARY MOTOR, HARDING TYPE VIIB; NEUROPATHY, DISTAL HEREDITARY MOTOR, HARDING TYPE VIIB. Identifiers: Orphanet 139589, MedGen C1843315, MONDO:0011879, OMIM 607641.
Perry syndrome. Also called: PARKINSONISM WITH ALVEOLAR HYPOVENTILATION AND MENTAL DEPRESSION. Identifiers: Orphanet 178509, MedGen C1868594, MONDO:0008201, OMIM 168605.
Amyotrophic lateral sclerosis type 1 (ALS1). Also called: AMYOTROPHIC LATERAL SCLEROSIS 1, FAMILIAL. Identifiers: Orphanet 803, MedGen C1862939, MONDO:0007103, OMIM 105400.

Allele frequency attached by ClinVar (database versions not stated): TOPMed 0.00004; gnomAD 0.00005; ExAC 0.00015.

Submissions (2):

Labcorp Genetics (formerly Invitae), Labcorp
Classification: Likely benign for Amyotrophic lateral sclerosis type 1; Neuronopathy, distal hereditary motor, type 7B; Perry syndrome. Last evaluated: 2025-12-23. Review status: criteria provided, single submitter. Criteria: Invitae Variant Classification Sherloc (09022015). Collection method: clinical testing. Allele origin: germline.

Women's Health and Genetics/Laboratory Corporation of America, LabCorp
Classification: Benign. Last evaluated: 2025-07-21. Review status: criteria provided, single submitter. Criteria: LabCorp Variant Classification Summary - May 2015. Collection method: clinical testing. Allele origin: germline.
Comment: Variant summary: DCTN1 c.3610-16C>T alters a non-conserved nucleotide located at a position not widely known to affect splicing. Consensus agreement among computation tools predict no significant impact on normal splicing. However, these predictions have yet to be confirmed by functional studies. The variant allele was found at a frequency of 0.00011 in 251074 control chromosomes. The observed variant frequency is approximately 111.52 fold of the estimated maximal expected allele frequency for a pathogenic variant in DCTN1 causing Neuronopathy, distal hereditary motor, type 7B phenotype (1e-06). To our knowledge, no occurrence of c.3610-16C>T in individuals affected with Neuronopathy, distal hereditary motor, type 7B and no experimental evidence demonstrating its impact on protein function have been reported. ClinVar contains an entry for this variant (Variation ID: 1984898). Based on the evidence outlined above, the variant was classified as benign.